The following is an entry in ClinVar:

NM_000465.4(BARD1):c.103G>T (p.Ala35Ser)

Gene: BARD1 (BRCA1 associated RING domain 1; minus strand). Cytogenetic location: 2q35.
Variant type: single nucleotide variant.
Coding change: c.103G>T on transcript NM_000465.4 (MANE Select); coding-DNA position 103, G replaced by T.
Protein change: p.Ala35Ser; replaces alanine 35 with serine.
Molecular consequence: missense variant. On other transcripts: non-coding transcript variant (3).
Genome position (GRCh38, 1-based): chr2:214,809,467, C>A on the plus strand (G>T on the coding strand, the complement: BARD1 is on the minus strand). VCF-style: chr2-214809467-C-A. GRCh37 (hg19) VCF-style: chr2-215674191-C-A.
Other names: c.103G>T, p.Ala35Ser (NM_001282543.2, NM_001282545.2, NM_001282548.2 and 1 more transcripts); short protein forms A35S.
Identifiers: ClinVar variation 2126209 (VCV002126209.4), dbSNP rs587782865, ClinGen allele CA350465022.

ClinVar aggregate classification (germline): Uncertain significance (1 of 4 stars; one submission).

Conditions:
Familial cancer of breast. Also called: hereditary breast carcinoma; BREAST CANCER, FAMILIAL; Hereditary breast cancer. Identifiers: Orphanet 227535, MedGen C0346153, MONDO:0016419, OMIM 114480. Disease mechanism: loss of function.

Submission:

Labcorp Genetics (formerly Invitae), Labcorp
Classification: Uncertain significance for Familial cancer of breast. Last evaluated: 2025-11-10. Review status: criteria provided, single submitter. Criteria: Invitae Variant Classification Sherloc (09022015). Collection method: clinical testing. Allele origin: germline.
Comment: This sequence change replaces alanine, which is neutral and non-polar, with serine, which is neutral and polar, at codon 35 of the BARD1 protein (p.Ala35Ser). This variant is not present in population databases (gnomAD no frequency). This variant has not been reported in the literature in individuals affected with BARD1-related conditions. ClinVar contains an entry for this variant (Variation ID: 2126209). An algorithm developed to predict the effect of missense changes on protein structure and function (PolyPhen-2) suggests that this variant is likely to be tolerated. In summary, the available evidence is currently insufficient to determine the role of this variant in disease. Therefore, it has been classified as a Variant of Uncertain Significance.